The following is an entry in ClinVar:

ClinVar aggregate classification (germline): Uncertain significance (1 of 4 stars; one submission).

Conditions:
Pierson syndrome. Also called: MICROCORIA-CONGENITAL NEPHROTIC SYNDROME. Identifiers: Orphanet 2670, MedGen C1836876, MONDO:0012184, OMIM 609049.
LAMB2-related infantile-onset nephrotic syndrome. Also called: NEPHROTIC SYNDROME, TYPE 5, WITHOUT OCULAR ABNORMALITIES; NEPHROTIC SYNDROME, TYPE 5, WITH OCULAR ABNORMALITIES; Nephrotic Syndrome, type 5. Identifiers: Orphanet 306507, MedGen C3280113, MONDO:0013621, OMIM 614199.

Submission:

Labcorp Genetics (formerly Invitae), Labcorp
Classification: Uncertain significance for LAMB2-related infantile-onset nephrotic syndrome; Pierson syndrome. Last evaluated: 2021-07-16. Review status: criteria provided, single submitter. Criteria: Invitae Variant Classification Sherloc (09022015). Collection method: clinical testing. Allele origin: germline.
Comment: In summary, the available evidence is currently insufficient to determine the role of this variant in disease. Therefore, it has been classified as a Variant of Uncertain Significance. Algorithms developed to predict the effect of missense changes on protein structure and function (SIFT, PolyPhen-2, Align-GVGD) all suggest that this variant is likely to be disruptive. This variant has not been reported in the literature in individuals affected with LAMB2-related conditions. This variant is not present in population databases (ExAC no frequency). This sequence change replaces serine with leucine at codon 165 of the LAMB2 protein (p.Ser165Leu). The serine residue is highly conserved and there is a large physicochemical difference between serine and leucine.

NM_002292.4(LAMB2):c.494C>T (p.Ser165Leu)

Gene: LAMB2 (laminin subunit beta 2; minus strand). Cytogenetic location: 3p21.31.
Variant type: single nucleotide variant.
Coding change: c.494C>T on transcript NM_002292.4 (MANE Select); coding-DNA position 494, C replaced by T.
Protein change: p.Ser165Leu; replaces serine 165 with leucine.
Molecular consequence: missense variant.
Genome position (GRCh38, 1-based): chr3:49,131,689, G>A on the plus strand (C>T on the coding strand, the complement: LAMB2 is on the minus strand). VCF-style: chr3-49131689-G-A. GRCh37 (hg19) VCF-style: chr3-49169122-G-A.
Other names: short protein forms S165L.
Identifiers: ClinVar variation 1462396 (VCV001462396.8), dbSNP rs2107644925, ClinGen allele CA352751018.